The following is an entry in ClinVar:

NM_004187.5(KDM5C):c.1996_2001del (p.Val666_His667del)

Gene: KDM5C (lysine demethylase 5C; minus strand). Cytogenetic location: Xp11.22.
Variant type: Deletion.
Coding change: c.1996_2001del on transcript NM_004187.5 (MANE Select); coding-DNA positions 1996 to 2001, 6 bases deleted (GTGCAT; older notation c.1996_2001delGTGCAT).
Protein change: p.Val666_His667del.
Molecular consequence: non-coding transcript variant (on NR_148672.2).
Genome position (GRCh38, 1-based): chrX:53,201,610-53,201,615, ATGCAC deleted on the plus strand (GTGCAT on the coding strand, the reverse complement: KDM5C is on the minus strand); deleting any 6 consecutive bases within chrX:53,201,610-53,201,616 gives the same sequence; the c. name uses the placement nearest the transcript's 3' end. VCF-style (leftmost placement, unchanged base first): chrX-53201609-TATGCAC-T. GRCh37 (hg19) VCF-style: chrX-53230791-TATGCAC-T.
Other names: c.1795_1800del, p.Val599_His600del (NM_001146702.2); c.1993_1998del, p.Val665_His666del (NM_001282622.3, NM_001353979.2, NM_001353982.2); c.1996_2001del, p.Val666_His667del (NM_001353978.3, NM_001353981.2, NM_001353984.2).
Identifiers: ClinVar variation 3602532 (VCV003602532.1).

ClinVar aggregate classification (germline): Uncertain significance (1 of 4 stars; one submission).

Submission:

GeneDx
Classification: Uncertain significance. Last evaluated: 2024-07-30. Review status: criteria provided, single submitter. Criteria: GeneDx Variant Classification Process June 2021. Collection method: clinical testing. Allele origin: germline. Affected: yes.
Comment: Not observed at significant frequency in large population cohorts (gnomAD); In-frame deletion of 2 amino acids in a non-repeat region; In silico analysis indicates that this variant does not alter protein structure/function; Has not been previously published as pathogenic or benign to our knowledge.